The following is an entry in ClinVar:

ClinVar aggregate classification (germline): Uncertain significance (1 of 4 stars; one submission).

Conditions:
Welander distal myopathy (WDM). Also called: Gower's muscular dystrophy; Welander distal myopathy, Swedish type; Distal myopathy, Swedish type; MUSCULAR DYSTROPHY, DISTAL, LATE-ONSET, AUTOSOMAL DOMINANT. Identifiers: Orphanet 603, MedGen C0221054, MONDO:0011466, OMIM 604454.

Allele frequency attached by ClinVar (database versions not stated): gnomAD 0.00001; gnomAD exomes 0.00001; TOPMed 0.00001; ExAC 0.00002.

Submission:

Labcorp Genetics (formerly Invitae), Labcorp
Classification: Uncertain significance for Welander distal myopathy. Last evaluated: 2023-03-26. Review status: criteria provided, single submitter. Criteria: Invitae Variant Classification Sherloc (09022015). Collection method: clinical testing. Allele origin: germline.
Comment: In summary, the available evidence is currently insufficient to determine the role of this variant in disease. Therefore, it has been classified as a Variant of Uncertain Significance. Advanced modeling of protein sequence and biophysical properties (such as structural, functional, and spatial information, amino acid conservation, physicochemical variation, residue mobility, and thermodynamic stability) performed at Invitae indicates that this missense variant is not expected to disrupt TIA1 protein function. This variant has not been reported in the literature in individuals affected with TIA1-related conditions. This sequence change replaces isoleucine, which is neutral and non-polar, with valine, which is neutral and non-polar, at codon 266 of the TIA1 protein (p.Ile266Val). This variant is present in population databases (rs766439734, gnomAD 0.003%).

NM_022173.4(TIA1):c.796A>G (p.Ile266Val)

Gene: TIA1 (TIA1 cytotoxic granule associated RNA binding protein; minus strand). Cytogenetic location: 2p13.3.
Variant type: single nucleotide variant.
Coding change: c.796A>G on transcript NM_022173.4 (MANE Select); coding-DNA position 796, A replaced by G.
Protein change: p.Ile266Val; replaces isoleucine 266 with valine.
Molecular consequence: missense variant. On other transcripts: non-coding transcript variant (17).
Genome position (GRCh38, 1-based): chr2:70,215,463, T>C on the plus strand (A>G on the coding strand, the complement: TIA1 is on the minus strand). VCF-style: chr2-70215463-T-C. GRCh37 (hg19) VCF-style: chr2-70442595-T-C.
Other names: c.796A>G, p.Ile266Val (NM_001351508.2); c.769A>G, p.Ile257Val (NM_001351509.2); c.763A>G, p.Ile255Val (NM_001351510.2, NM_022037.4); c.685A>G, p.Ile229Val (NM_001351511.1); c.658A>G, p.Ile220Val (NM_001351512.1); c.652A>G, p.Ile218Val (NM_001351513.1); c.568A>G, p.Ile190Val (NM_001351514.2); c.493A>G, p.Ile165Val (NM_001351515.2); and 1 more; short protein forms I165V, I229V, I255V, I126V, I190V, I218V, I220V, I257V.
Identifiers: ClinVar variation 2717041 (VCV002717041.3), dbSNP rs766439734, ClinGen allele CA1697465.